The following is an entry in ClinVar:

ClinVar aggregate classification (germline): Likely benign. Review status: criteria provided, multiple submitters, no conflicts (2 of 4 stars). 2 submissions from 2 submitters: Likely benign (2). Last evaluated 2025-02-09.

Conditions:
KCNQ1-related disorder. Also called: KCNQ1-related condition; KCNQ1-related disorders. Identifiers: MedGen CN239322.

Allele frequency attached by ClinVar (database versions not stated): gnomAD 0.00136; TOPMed 0.00155; 1000 Genomes Project 30x 0.00156; 1000 Genomes Project 0.00160.
gnomAD v4.1: 311 of 398,582 alleles (0.078%); highest among the groups gnomAD compares: African/African-American, 0.45%; no homozygotes.

Submissions (2):

PreventionGenetics, part of Exact Sciences
Classification: Likely benign for KCNQ1-related condition. Last evaluated: 2025-02-09. Review status: criteria provided, single submitter. Criteria: ACMG Guidelines, 2015. Collection method: clinical testing. Allele origin: germline.
Comment: This variant is classified as likely benign based on ACMG/AMP sequence variant interpretation guidelines (Richards et al. 2015 PMID: 25741868, with internal and published modifications).

CeGaT Center for Human Genetics Tuebingen
Classification: Likely benign. Last evaluated: 2025-02-01. Review status: criteria provided, single submitter. Criteria: CeGaT Center For Human Genetics Tuebingen Variant Classification Criteria Version 2. Collection method: clinical testing. Allele origin: germline. Affected: yes. Observed: 2 variant alleles.
Comment: KCNQ1OT1: BS1

NM_000218.3(KCNQ1):c.1514+29608C>A

Genes: KCNQ1 (potassium voltage-gated channel subfamily Q member 1; plus strand), KCNQ1OT1 (KCNQ1 opposite strand/antisense transcript 1; minus strand). Cytogenetic location: 11p15.5.
Variant type: single nucleotide variant.
Coding change: c.1514+29608C>A on transcript NM_000218.3 (MANE Select); 29608 bases into the intron after coding-DNA position 1514, C replaced by A.
Molecular consequence: intron variant. On other transcripts: non-coding transcript variant (1).
Genome position (GRCh38, 1-based): chr11:2,691,689, C>A. VCF-style: chr11-2691689-C-A. GRCh37 (hg19) VCF-style: chr11-2712919-C-A.
Other names: c.1133+29608C>A (NM_181798.2); c.1244+29608C>A (NM_001406837.1); c.1418+29608C>A (NM_001406836.1); c.974+29608C>A (NM_001406838.1); c.1514+29608C>A (NM_000218.2).
Identifiers: ClinVar variation 3026387 (VCV003026387.23), dbSNP rs189033687, ClinGen allele CA216193075.
Genomic context (GRCh38, chr11:2,691,689, plus strand): 5'-GAGGTCCTCTTTACCGCCACAGTTCCAAGGGTGAAACAGAGAACCAGGTGGGGAAGGGGT[C>A]TCTCCCCATCTGTCCAGGGGAGAGGCAGCCCACAGGGAGCCACACAGGCAGGGGACATTC-3'